The following is an entry in ClinVar:

NM_000368.5(TSC1):c.598G>T (p.Val200Phe)

Gene: TSC1 (TSC complex subunit 1; minus strand). Cytogenetic location: 9q34.13.
Variant type: single nucleotide variant.
Coding change: c.598G>T on transcript NM_000368.5 (MANE Select); coding-DNA position 598, G replaced by T.
Protein change: p.Val200Phe; replaces valine 200 with phenylalanine.
Molecular consequence: missense variant.
Genome position (GRCh38, 1-based): chr9:132,921,884, C>A on the plus strand (G>T on the coding strand, the complement: TSC1 is on the minus strand). VCF-style: chr9-132921884-C-A. GRCh37 (hg19) VCF-style: chr9-135797271-C-A.
Other names: c.598G>T, p.Val200Phe (NM_001162426.2); c.445G>T, p.Val149Phe (NM_001162427.2); c.235G>T, p.Val79Phe (NM_001362177.2); short protein forms V200F, V79F, V149F.
Identifiers: ClinVar variation 951095 (VCV000951095.10), dbSNP rs118203410, ClinGen allele CA375372532.

ClinVar aggregate classification (germline): Uncertain significance. Review status: criteria provided, multiple submitters, no conflicts (2 of 4 stars). 3 submissions from 3 submitters: Uncertain significance (3). Last evaluated 2025-07-18.

Conditions:
Tuberous sclerosis 1 (TSC1). Identifiers: Orphanet 805, MedGen C1854465, MONDO:0008612, OMIM 191100.

Allele frequency attached by ClinVar (database versions not stated): TOPMed below 0.00001.

Submissions (3):

GeneDx
Classification: Uncertain significance. Last evaluated: 2025-07-18. Review status: criteria provided, single submitter. Criteria: GeneDx Variant Classification Process June 2021. Collection method: clinical testing. Allele origin: germline. Affected: yes.
Comment: Not observed at significant frequency in large population cohorts (gnomAD); In silico analysis supports that this missense variant has a deleterious effect on protein structure/function; Has not been previously published as pathogenic or benign to our knowledge

ARUP Laboratories, Molecular Genetics and Genomics, ARUP Laboratories
Classification: Uncertain significance. Last evaluated: 2025-06-23. Review status: criteria provided, single submitter. Criteria: ARUP Molecular Germline Variant Investigation Process 2024. Collection method: clinical testing. Allele origin: germline.
Comment: The TSC1 c.598G>T; p.Val200Phe variant (rs118203410), to our knowledge, is not reported in the medical literature but is reported in ClinVar (Variation ID: 951095). This variant is absent from the Genome Aggregation Database (v2.1.1), indicating it is not a common polymorphism. Computational analyses predict that this variant is deleterious (REVEL: 0.751). Due to limited information, the clinical significance of this variant is uncertain at this time.

Labcorp Genetics (formerly Invitae), Labcorp
Classification: Uncertain significance for Tuberous sclerosis 1. Last evaluated: 2019-08-13. Review status: criteria provided, single submitter. Criteria: Invitae Variant Classification Sherloc (09022015). Collection method: clinical testing. Allele origin: germline.
Comment: In summary, the available evidence is currently insufficient to determine the role of this variant in disease. Therefore, it has been classified as a Variant of Uncertain Significance. Algorithms developed to predict the effect of missense changes on protein structure and function are either unavailable or do not agree on the potential impact of this missense change (SIFT: "Deleterious"; PolyPhen-2: "Probably Damaging"; Align-GVGD: "Class C0"). This variant has not been reported in the literature in individuals with TSC1-related conditions. This variant is not present in population databases (ExAC no frequency). This sequence change replaces valine with phenylalanine at codon 200 of the TSC1 protein (p.Val200Phe). The valine residue is moderately conserved and there is a small physicochemical difference between valine and phenylalanine.